The following is an entry in ClinVar:

NM_000642.3(AGL):c.809G>A (p.Gly270Glu)

Gene: AGL (amylo-alpha-1,6-glucosidase and 4-alpha-glucanotransferase; plus strand). Cytogenetic location: 1p21.2.
Variant type: single nucleotide variant.
Coding change: c.809G>A on transcript NM_000642.3 (MANE Select); coding-DNA position 809, G replaced by A.
Protein change: p.Gly270Glu; replaces glycine 270 with glutamic acid.
Molecular consequence: missense variant.
Genome position (GRCh38, 1-based): chr1:99,870,544, G>A. VCF-style: chr1-99870544-G-A. GRCh37 (hg19) VCF-style: chr1-100336100-G-A.
Other names: c.809G>A, p.Gly270Glu (NM_000028.3, NM_000643.3, NM_000644.3 and 3 more transcripts); c.761G>A, p.Gly254Glu (NM_000646.3); c.605G>A, p.Gly202Glu (NM_001425328.1, NM_001425329.1); c.431G>A, p.Gly144Glu (NM_001425332.1); short protein forms G254E, G270E, G144E, G202E.
Identifiers: ClinVar variation 1348946 (VCV001348946.4), dbSNP rs1466350775, ClinGen allele CA341340244.

ClinVar aggregate classification (germline): Uncertain significance. Review status: criteria provided, single submitter (1 of 4 stars). 2 submissions from 2 submitters: Uncertain significance (1). 1 of the submissions does not count toward it. Last evaluated 2022-01-31.

Conditions:
Meniere disease. Also called: Ménière's disease. Identifiers: MedGen C0025281, MONDO:0007972, OMIM 156000.
Glycogen storage disease type III (GSD3). Also called: Cori disease; FORBES DISEASE. Identifiers: Orphanet 366, MedGen C0017922, MONDO:0009291, OMIM 232400.

Allele frequency attached by ClinVar (database versions not stated): gnomAD exomes below 0.00001 and 0.00003; gnomAD 0.00001; TOPMed 0.00002.
gnomAD v4.1: 39 of 1,613,894 alleles (0.0024%); highest among the groups gnomAD compares: Non-Finnish European, 0.0033%; no homozygotes.

Submissions (2):

Labcorp Genetics (formerly Invitae), Labcorp
Classification: Uncertain significance for Glycogen storage disease type III. Last evaluated: 2022-01-31. Review status: criteria provided, single submitter. Criteria: Invitae Variant Classification Sherloc (09022015). Collection method: clinical testing. Allele origin: germline.
Comment: This sequence change replaces glycine, which is neutral and non-polar, with glutamic acid, which is acidic and polar, at codon 270 of the AGL protein (p.Gly270Glu). This variant is present in population databases (no rsID available, gnomAD 0.0009%). This variant has not been reported in the literature in individuals affected with AGL-related conditions. Algorithms developed to predict the effect of missense changes on protein structure and function are either unavailable or do not agree on the potential impact of this missense change (SIFT: "Deleterious"; PolyPhen-2: "Probably Damaging"; Align-GVGD: "Class C0"). In summary, the available evidence is currently insufficient to determine the role of this variant in disease. Therefore, it has been classified as a Variant of Uncertain Significance.

Center for Computational Biology & Bioinformatics, University of California, San Diego
Classification: Uncertain significance for Meniere disease. Last evaluated: 2024-06-03. Review status: no assertion criteria provided. Collection method: research. Allele origin: germline. Affected: yes. Not counted in ClinVar's aggregate classification.